The following is an entry in ClinVar:

NM_005055.5(RAPSN):c.546_547dup (p.Leu183fs)

Gene: RAPSN (receptor associated protein of the synapse; minus strand). Cytogenetic location: 11p11.2.
Variant type: Duplication.
Coding change: c.546_547dup on transcript NM_005055.5 (MANE Select); coding-DNA positions 546 to 547, 2 bases duplicated (CC; older notation c.546_547dupCC).
Protein change: p.Leu183fs; shifts the reading frame from leucine 183.
Molecular consequence: frameshift variant.
Genome position (GRCh38, 1-based): chr11:47,442,799-47,442,800, GG duplicated on the plus strand (CC on the coding strand, the reverse complement: RAPSN is on the minus strand); duplicating any 2 consecutive bases within chr11:47,442,799-47,442,801 gives the same sequence; the c. name uses the placement nearest the transcript's 3' end. VCF-style (leftmost placement, unchanged base first): chr11-47442798-A-AGG. GRCh37 (hg19) VCF-style: chr11-47464350-A-AGG.
Other names: c.546_547dup, p.Leu183fs (NM_032645.5); short protein forms L183fs.
Identifiers: ClinVar variation 1457721 (VCV001457721.6), dbSNP rs2153309143, ClinGen allele CA2573147336.

ClinVar aggregate classification (germline): Pathogenic (1 of 4 stars; one submission).

Conditions:
Fetal akinesia deformation sequence 1 (FADS1). Also called: Pena-Shokeir syndrome type I; Fetal akinesia sequence. Identifiers: Orphanet 994, MedGen C1276035, MONDO:0100101, OMIM 208150, HP:0001989.
Congenital myasthenic syndrome 11. Also called: Myasthenic syndrome, congenital, 11, associated with acetylcholine receptor deficiency; MYASTHENIC SYNDROME, CONGENITAL, Ie. Identifiers: Orphanet 590, MedGen C4225367, MONDO:0014588, OMIM 616326.

Submission:

Labcorp Genetics (formerly Invitae), Labcorp
Classification: Pathogenic for Congenital myasthenic syndrome 11; Fetal akinesia deformation sequence 1. Last evaluated: 2021-06-26. Review status: criteria provided, single submitter. Criteria: Invitae Variant Classification Sherloc (09022015). Collection method: clinical testing. Allele origin: germline.
Comment: For these reasons, this variant has been classified as Pathogenic. This variant has not been reported in the literature in individuals with RAPSN-related conditions. This variant is not present in population databases (ExAC no frequency). This sequence change creates a premature translational stop signal (p.Leu183Profs*21) in the RAPSN gene. It is expected to result in an absent or disrupted protein product. Loss-of-function variants in RAPSN are known to be pathogenic (PMID: 17686188).

Literature cited by the submitters: PubMed 17686188.